The following is an entry in ClinVar:

NM_000310.4(PPT1):c.316C>T (p.Gln106Ter)

Gene: PPT1 (palmitoyl-protein thioesterase 1; minus strand). Cytogenetic location: 1p34.2.
Variant type: single nucleotide variant.
Coding change: c.316C>T on transcript NM_000310.4 (MANE Select); coding-DNA position 316, C replaced by T.
Protein change: p.Gln106Ter; replaces glutamine 106 with a stop codon.
Molecular consequence: nonsense. On other transcripts: intron variant (1).
Genome position (GRCh38, 1-based): chr1:40,092,091, G>A on the plus strand (C>T on the coding strand, the complement: PPT1 is on the minus strand). VCF-style: chr1-40092091-G-A. GRCh37 (hg19) VCF-style: chr1-40557763-G-A.
Other names: c.316C>T, p.Gln106Ter (NM_001363695.2); c.125-2579C>T (NM_001142604.2); short protein forms Q106*.
Identifiers: ClinVar variation 2779960 (VCV002779960.3), dbSNP rs2523687837, ClinGen allele CA339849081.

ClinVar aggregate classification (germline): Pathogenic (1 of 4 stars; one submission).

Conditions:
Neuronal ceroid lipofuscinosis 1 (CLN1). Also called: CEROID LIPOFUSCINOSIS, NEURONAL, 1, VARIABLE AGE AT ONSET; PPT1-Related Neuronal Ceroid-Lipofuscinosis. Identifiers: Orphanet 228329, MedGen C1850451, MONDO:0009744, OMIM 256730.

Submission:

Labcorp Genetics (formerly Invitae), Labcorp
Classification: Pathogenic for Neuronal ceroid lipofuscinosis 1. Last evaluated: 2023-03-16. Review status: criteria provided, single submitter. Criteria: Invitae Variant Classification Sherloc (09022015). Collection method: clinical testing. Allele origin: germline.
Comment: For these reasons, this variant has been classified as Pathogenic. This premature translational stop signal has been observed in individual(s) with neuronal ceroid lipofuscinosis (PMID: 33486620). This variant is not present in population databases (gnomAD no frequency). This sequence change creates a premature translational stop signal (p.Gln106*) in the PPT1 gene. It is expected to result in an absent or disrupted protein product. Loss-of-function variants in PPT1 are known to be pathogenic (PMID: 10679943, 21990111).

Literature cited by the submitters: PubMed 33486620; PubMed 10679943; PubMed 21990111.